The following is an entry in ClinVar:

ClinVar aggregate classification (germline): Uncertain significance (1 of 4 stars; one submission).

Allele frequency attached by ClinVar (database versions not stated): gnomAD 0.00001; gnomAD exomes 0.00001; TOPMed 0.00001; ExAC 0.00003.
gnomAD v4.1: 8 of 1,613,866 alleles (0.0005%); highest among the groups gnomAD compares: Admixed American, 0.012%; no homozygotes.

Submission:

Labcorp Genetics (formerly Invitae), Labcorp
Classification: Uncertain significance. Last evaluated: 2022-07-13. Review status: criteria provided, single submitter. Criteria: Invitae Variant Classification Sherloc (09022015). Collection method: clinical testing. Allele origin: germline.
Comment: This sequence change replaces serine, which is neutral and polar, with phenylalanine, which is neutral and non-polar, at codon 1431 of the TTC37 protein (p.Ser1431Phe). This variant is present in population databases (rs748027639, gnomAD 0.02%). This variant has not been reported in the literature in individuals affected with TTC37-related conditions. Algorithms developed to predict the effect of missense changes on protein structure and function are either unavailable or do not agree on the potential impact of this missense change (SIFT: "Deleterious"; PolyPhen-2: "Probably Damaging"; Align-GVGD: "Class C0"). In summary, the available evidence is currently insufficient to determine the role of this variant in disease. Therefore, it has been classified as a Variant of Uncertain Significance.

NM_014639.4(SKIC3):c.4292C>T (p.Ser1431Phe)

Gene: SKIC3 (SKI3 subunit of superkiller complex; minus strand). Cytogenetic location: 5q15.
Variant type: single nucleotide variant.
Coding change: c.4292C>T on transcript NM_014639.4 (MANE Select); coding-DNA position 4292, C replaced by T.
Protein change: p.Ser1431Phe; replaces serine 1431 with phenylalanine.
Molecular consequence: missense variant.
Genome position (GRCh38, 1-based): chr5:95,478,363, G>A on the plus strand (C>T on the coding strand, the complement: SKIC3 is on the minus strand). VCF-style: chr5-95478363-G-A. GRCh37 (hg19) VCF-style: chr5-94814067-G-A.
Other names: short protein forms S1431F.
Identifiers: ClinVar variation 2186250 (VCV002186250.1), dbSNP rs748027639, ClinGen allele CA3346438.